The following is an entry in ClinVar:

ClinVar aggregate classification (germline): Benign. Review status: criteria provided, single submitter (1 of 4 stars). 2 submissions from 1 submitter: Benign (2). Last evaluated 2018-01-12.

Conditions:
Brain small vessel disease 1 with or without ocular anomalies (BSVD1). Also called: BRAIN SMALL VESSEL DISEASE WITH HEMORRHAGE; GOULD SYNDROME 1; PORENCEPHALY, TYPE 1, AUTOSOMAL DOMINANT; Brain small vessel disease with or without ocular anomalies. Identifiers: Orphanet 2940, Orphanet 36383, Orphanet 99810, MedGen C4755307, MONDO:0008289, OMIM 175780.
Autosomal dominant familial hematuria-retinal arteriolar tortuosity-contractures syndrome. Also called: Angiopathy, hereditary, with nephropathy, aneurysms, and muscle cramps; Hereditary Angiopathy with Nephropathy, Aneurysms, and Muscle Cramps (HANAC) Syndrome. Identifiers: Orphanet 73229, MedGen C2673195, MONDO:0012726, OMIM 611773.

Allele frequency attached by ClinVar (database versions not stated): gnomAD 0.00001; ExAC 0.00002; gnomAD exomes 0.00002; TOPMed 0.00003.
gnomAD v4.1: 27 of 1,614,050 alleles (0.0017%); highest among the groups gnomAD compares: East Asian, 0.058%; no homozygotes.

Submissions (2):

Illumina Laboratory Services, Illumina
Classification: Benign for Autosomal dominant familial hematuria-retinal arteriolar tortuosity-contractures syndrome. Last evaluated: 2018-01-12. Review status: criteria provided, single submitter. Criteria: ICSL Variant Classification Criteria 13 December 2019. Collection method: clinical testing. Allele origin: germline.
Comment: This variant was observed in the ICSL laboratory as part of a predisposition screen in an ostensibly healthy population. It had not been previously curated by ICSL or reported in the Human Gene Mutation Database (HGMD: prior to June 1st, 2018), and was therefore a candidate for classification through an automated scoring system. Utilizing variant allele frequency, disease prevalence and penetrance estimates, and inheritance mode, an automated score was calculated to assess if this variant is too frequent to cause the disease. Based on the score and internal cut-off values, a variant classified as benign is not then subjected to further curation. The score for this variant resulted in a classification of benign for this disease.

Illumina Laboratory Services, Illumina
Classification: Benign for Brain small vessel disease 1 with or without ocular anomalies. Last evaluated: 2018-01-12. Review status: criteria provided, single submitter. Criteria: ICSL Variant Classification Criteria 13 December 2019. Collection method: clinical testing. Allele origin: germline.
Comment: the same text as in the submission from Illumina Laboratory Services, Illumina above.

NM_001845.6(COL4A1):c.1385A>G (p.Gln462Arg)

Gene: COL4A1 (collagen type IV alpha 1 chain; minus strand). Cytogenetic location: 13q34.
Variant type: single nucleotide variant.
Coding change: c.1385A>G on transcript NM_001845.6 (MANE Select); coding-DNA position 1385, A replaced by G.
Protein change: p.Gln462Arg; replaces glutamine 462 with arginine.
Molecular consequence: missense variant.
Genome position (GRCh38, 1-based): chr13:110,192,910, T>C on the plus strand (A>G on the coding strand, the complement: COL4A1 is on the minus strand). VCF-style: chr13-110192910-T-C. GRCh37 (hg19) VCF-style: chr13-110845257-T-C.
Other names: c.1385A>G, p.Gln462Arg (NM_001303110.2); short protein forms Q462R.
Identifiers: ClinVar variation 311063 (VCV000311063.8), dbSNP rs750386918, ClinGen allele CA7047947.